The following is an entry in ClinVar:

ClinVar aggregate classification (germline): Likely pathogenic (1 of 4 stars; one submission).

Conditions:
PPARG-related familial partial lipodystrophy. Also called: LIPODYSTROPHY, FAMILIAL PARTIAL, ASSOCIATED WITH PPARG MUTATIONS. Identifiers: Orphanet 79083, MedGen C1720861, MONDO:0011448, OMIM 604367.

Submission:

Institute of Human Genetics, University of Leipzig Medical Center
Classification: Likely pathogenic for PPARG-related familial partial lipodystrophy. Last evaluated: 2019-08-13. Review status: criteria provided, single submitter. Criteria: ACMG Guidelines, 2015. Collection method: clinical testing. Allele origin: de novo. Affected: yes. Observed: 1 variant allele.
Comment: This variant was identified as de novo (maternity and paternity confirmed).

NM_138711.6(PPARG):c.629G>C (p.Arg210Pro)

Genes: PPARG (peroxisome proliferator activated receptor gamma; plus strand), LOC114803475 (PPARG eExon liver enhancer; plus strand). Cytogenetic location: 3p25.2.
Variant type: single nucleotide variant.
Coding change: c.629G>C on transcript NM_138711.6 (MANE Select); coding-DNA position 629, G replaced by C.
Protein change: p.Arg210Pro; replaces arginine 210 with proline.
Molecular consequence: missense variant. On other transcripts: intron variant (1).
Genome position (GRCh38, 1-based): chr3:12,405,981, G>C. VCF-style: chr3-12405981-G-C. GRCh37 (hg19) VCF-style: chr3-12447480-G-C.
Other names: c.629G>C, p.Arg210Pro (NM_001330615.4, NM_001354666.3, NM_001354667.3 and 6 more transcripts); c.719G>C, p.Arg240Pro (NM_001354668.2, NM_001374265.1, NM_015869.5); c.635G>C, p.Arg212Pro (NM_001354670.2, NM_001374266.1); c.103-10723G>C (NM_001354669.2); short protein forms R210P, R212P, R240P.
Identifiers: ClinVar variation 976317 (VCV000976317.1), dbSNP rs150296212, ClinGen allele CA351618797.